The following is an entry in ClinVar:

NM_032119.4(ADGRV1):c.17561C>T (p.Ser5854Phe)

Gene: ADGRV1 (adhesion G protein-coupled receptor V1; plus strand). Cytogenetic location: 5q14.3.
Variant type: single nucleotide variant.
Coding change: c.17561C>T on transcript NM_032119.4 (MANE Select); coding-DNA position 17561, C replaced by T.
Protein change: p.Ser5854Phe; replaces serine 5854 with phenylalanine.
Molecular consequence: missense variant. On other transcripts: non-coding transcript variant (1).
Genome position (GRCh38, 1-based): chr5:90,854,168, C>T. VCF-style: chr5-90854168-C-T. GRCh37 (hg19) VCF-style: chr5-90149985-C-T.
Other names: short protein forms S5854F.
Identifiers: ClinVar variation 935367 (VCV000935367.8), dbSNP rs546978141, ClinGen allele CA122810133.
Genomic context (GRCh38, chr5:90,854,168, plus strand): 5'-ATGACAATGAGGTTCTCTACAGGATTTATGCTGCTGAGCCTAGAATTATTCCTCAGACAT[C>T]TCTGTGTCTCCTTTGGAATCAGGCTGCTGCAAGGTACTTATTAATAAAATAAAAAAATCA-3'
Protein context (NP_115495.3, residues 5844-5864): AAEPRIIPQT[Ser5854Phe]LCLLWNQAAA

ClinVar aggregate classification (germline): Uncertain significance. Review status: criteria provided, multiple submitters, no conflicts (2 of 4 stars). 2 submissions from 2 submitters: Uncertain significance (2). Last evaluated 2024-11-14.

Conditions:
Inborn genetic diseases. Identifiers: MedGen C0950123, MeSH D030342.

Allele frequency attached by ClinVar (database versions not stated): gnomAD 0.00001; gnomAD exomes 0.00001 and 0.00002; TOPMed 0.00001; 1000 Genomes Project 0.00020; 1000 Genomes Project 30x 0.00031.
gnomAD v4.1: 34 of 1,554,394 alleles (0.0022%); highest among the groups gnomAD compares: Non-Finnish European, 0.0026%; no homozygotes.

Submissions (2):

Ambry Genetics
Classification: Uncertain significance for Inborn genetic diseases. Last evaluated: 2024-11-14. Review status: criteria provided, single submitter. Criteria: Ambry Variant Classification Scheme 2023. Collection method: clinical testing. Allele origin: germline.

Labcorp Genetics (formerly Invitae), Labcorp
Classification: Uncertain significance. Last evaluated: 2021-09-01. Review status: criteria provided, single submitter. Criteria: Invitae Variant Classification Sherloc (09022015). Collection method: clinical testing. Allele origin: germline.
Comment: This sequence change replaces serine with phenylalanine at codon 5854 of the ADGRV1 protein (p.Ser5854Phe). The serine residue is highly conserved and there is a large physicochemical difference between serine and phenylalanine. This variant is not present in population databases (ExAC no frequency). This variant has not been reported in the literature in individuals affected with ADGRV1-related conditions. Algorithms developed to predict the effect of missense changes on protein structure and function are either unavailable or do not agree on the potential impact of this missense change (SIFT: "Deleterious"; PolyPhen-2: "Benign"; Align-GVGD: "Class C0"). In summary, the available evidence is currently insufficient to determine the role of this variant in disease. Therefore, it has been classified as a Variant of Uncertain Significance.